The following is an entry in ClinVar:

NM_000238.4(KCNH2):c.729C>G (p.Ser243Arg)

Gene: KCNH2 (potassium voltage-gated channel subfamily H member 2; minus strand). Cytogenetic location: 7q36.1.
Variant type: single nucleotide variant.
Coding change: c.729C>G on transcript NM_000238.4 (MANE Select); coding-DNA position 729, C replaced by G.
Protein change: p.Ser243Arg; replaces serine 243 with arginine.
Molecular consequence: missense variant.
Genome position (GRCh38, 1-based): chr7:150,958,246, G>C on the plus strand (C>G on the coding strand, the complement: KCNH2 is on the minus strand). VCF-style: chr7-150958246-G-C. GRCh37 (hg19) VCF-style: chr7-150655334-G-C.
Other names: c.441C>G, p.Ser147Arg (NM_001406753.1, NM_001406756.1); c.552C>G, p.Ser184Arg (NM_001406755.1); c.429C>G, p.Ser143Arg (NM_001406757.1); c.729C>G, p.Ser243Arg (NM_172056.3); short protein forms S243R, S143R, S184R, S147R.
Identifiers: ClinVar variation 648410 (VCV000648410.9), dbSNP rs863224337, ClinGen allele CA369862691.

ClinVar aggregate classification (germline): Uncertain significance (1 of 4 stars; one submission).

Conditions:
Long QT syndrome (LQTS). Identifiers: MedGen C0023976, MeSH D008133, MONDO:0002442. Disease mechanism: loss of function. Inheritance: Various modes of inheritance.

Allele frequency attached by ClinVar (database versions not stated): gnomAD exomes 0.00002.
gnomAD v4.1: 5 of 1,406,832 alleles (0.00036%); highest among the groups gnomAD compares: Non-Finnish European, 0.00046%; no homozygotes.

Submission:

Labcorp Genetics (formerly Invitae), Labcorp
Classification: Uncertain significance for Long QT syndrome. Last evaluated: 2025-02-05. Review status: criteria provided, single submitter. Criteria: Invitae Variant Classification Sherloc (09022015). Collection method: clinical testing. Allele origin: germline.
Comment: This sequence change replaces serine, which is neutral and polar, with arginine, which is basic and polar, at codon 243 of the KCNH2 protein (p.Ser243Arg). This variant is present in population databases (no rsID available, gnomAD 0.005%). This variant has not been reported in the literature in individuals affected with KCNH2-related conditions. ClinVar contains an entry for this variant (Variation ID: 648410). An algorithm developed to predict the effect of missense changes on protein structure and function outputs the following: PolyPhen-2: "Benign". The arginine amino acid residue is found in multiple mammalian species, which suggests that this missense change does not adversely affect protein function. In summary, the available evidence is currently insufficient to determine the role of this variant in disease. Therefore, it has been classified as a Variant of Uncertain Significance.